The following is an entry in ClinVar:

ClinVar aggregate classification (germline): Uncertain significance (1 of 4 stars; one submission).

Allele frequency attached by ClinVar (database versions not stated): gnomAD 0.00003; gnomAD exomes 0.00004; TOPMed 0.00004; ExAC 0.00012.
gnomAD v4.1: 66 of 1,614,034 alleles (0.0041%); highest among the groups gnomAD compares: East Asian, 0.14%; no homozygotes.

Submission:

Labcorp Genetics (formerly Invitae), Labcorp
Classification: Uncertain significance. Last evaluated: 2022-05-18. Review status: criteria provided, single submitter. Criteria: Invitae Variant Classification Sherloc (09022015). Collection method: clinical testing. Allele origin: germline.
Comment: This variant has not been reported in the literature in individuals affected with IL17RD-related conditions. Algorithms developed to predict the effect of missense changes on protein structure and function are either unavailable or do not agree on the potential impact of this missense change (SIFT: "Not Available"; PolyPhen-2: "Benign"; Align-GVGD: "Not Available"). In summary, the available evidence is currently insufficient to determine the role of this variant in disease. Therefore, it has been classified as a Variant of Uncertain Significance. This sequence change replaces glycine, which is neutral and non-polar, with valine, which is neutral and non-polar, at codon 440 of the IL17RD protein (p.Gly440Val). This variant is present in population databases (rs76248096, gnomAD 0.1%), and has an allele count higher than expected for a pathogenic variant.

NM_017563.5(IL17RD):c.1319G>T (p.Gly440Val)

Genes: IL17RD (interleukin 17 receptor D; minus strand), LOC126806689 (BRD4-independent group 4 enhancer GRCh37_chr3:57131244-57132443; plus strand). Cytogenetic location: 3p14.3.
Variant type: single nucleotide variant.
Coding change: c.1319G>T on transcript NM_017563.5 (MANE Select); coding-DNA position 1319, G replaced by T.
Protein change: p.Gly440Val; replaces glycine 440 with valine.
Molecular consequence: missense variant.
Genome position (GRCh38, 1-based): chr3:57,098,384, C>A on the plus strand (G>T on the coding strand, the complement: IL17RD is on the minus strand). VCF-style: chr3-57098384-C-A. GRCh37 (hg19) VCF-style: chr3-57132412-C-A.
Other names: c.1319G>T, p.Gly440Val (NM_001080973.1); c.887G>T, p.Gly296Val (NM_001318864.2); short protein forms G296V, G440V.
Identifiers: ClinVar variation 2421852 (VCV002421852.7), dbSNP rs76248096, ClinGen allele CA2462764.
Genomic context (GRCh38, chr3:57,098,384, plus strand): 5'-TTTTCGGCAATGGCTGACACCGCCACCAGGAAGAGCTCTCCTTTCCCCGAGCCTCGGCCA[C>A]CTCCTTTGTGTTTGTAGTTCTTCTTGTCCACAAAGTACTTCATACCTTTGGAACAAACCA-3'
Protein context (NP_060033.3, residues 430-450): VDKKNYKHKG[Gly440Val]GRGSGKGELF